The following is an entry in ClinVar:

NM_000203.5(IDUA):c.656G>A (p.Gly219Glu)

Gene: IDUA (alpha-L-iduronidase; plus strand). Cytogenetic location: 4p16.3.
Variant type: single nucleotide variant.
Coding change: c.656G>A on transcript NM_000203.5 (MANE Select); coding-DNA position 656, G replaced by A.
Protein change: p.Gly219Glu; replaces glycine 219 with glutamic acid.
Molecular consequence: missense variant. On other transcripts: non-coding transcript variant (1).
Genome position (GRCh38, 1-based): chr4:1,001,745, G>A. VCF-style: chr4-1001745-G-A. GRCh37 (hg19) VCF-style: chr4-995533-G-A.
Other names: c.260G>A, p.Gly87Glu (NM_001363576.1); short protein forms G219E, G87E.
Identifiers: ClinVar variation 4078973 (VCV004078973.2).

ClinVar aggregate classification (germline): Uncertain significance. Review status: criteria provided, multiple submitters, no conflicts (2 of 4 stars). 2 submissions from 2 submitters: Uncertain significance (2). Last evaluated 2026-02-20.

Submissions (2):

Women's Health and Genetics/Laboratory Corporation of America, LabCorp
Classification: Uncertain significance. Last evaluated: 2026-02-20. Review status: criteria provided, single submitter. Criteria: LabCorp Variant Classification Summary - May 2015. Collection method: clinical testing. Allele origin: germline.
Comment: Variant summary: IDUA c.656G>A (p.Gly219Glu) results in a non-conservative amino acid change in the encoded protein sequence. Algorithms developed to predict the effect of missense changes on protein structure and function all suggest that this variant is likely to be disruptive. The frequency data for this variant in gnomAD is considered unreliable, as metrics indicate poor data quality at this position. c.656G>A has been observed in individuals affected with Mucopolysaccharidosis Type 1 (Bertola_2011, Ghaffari_2022). These data do not allow any conclusion about variant significance. To our knowledge, no experimental evidence demonstrating an impact on protein function has been reported. The following publications have been ascertained in the context of this evaluation (PMID: 21394825, 35005816). ClinVar contains an entry for this variant (Variation ID: 4078973). Based on the evidence outlined above, the variant was classified as uncertain significance.

Revvity Omics, Revvity
Classification: Uncertain significance. Last evaluated: 2023-10-26. Review status: criteria provided, single submitter. Criteria: ACMG Guidelines, 2015. Collection method: clinical testing. Allele origin: germline.

Literature cited by the submitters: PubMed 21394825 (cited by Women's Health and Genetics/Laboratory Corporation of America, LabCorp); PubMed 35005816 (cited by Women's Health and Genetics/Laboratory Corporation of America, LabCorp).